The following is an entry in ClinVar:

NM_000891.3(KCNJ2):c.149A>G (p.Lys50Arg)

Gene: KCNJ2 (potassium inwardly rectifying channel subfamily J member 2; plus strand). Cytogenetic location: 17q24.3.
Variant type: single nucleotide variant.
Coding change: c.149A>G on transcript NM_000891.3 (MANE Select); coding-DNA position 149, A replaced by G.
Protein change: p.Lys50Arg; replaces lysine 50 with arginine.
Molecular consequence: missense variant.
Genome position (GRCh38, 1-based): chr17:70,175,188, A>G. VCF-style: chr17-70175188-A-G. GRCh37 (hg19) VCF-style: chr17-68171329-A-G.
Other names: short protein forms K50R.
Identifiers: ClinVar variation 1423577 (VCV001423577.9), dbSNP rs2144376499, ClinGen allele CA400859973.
Genomic context (GRCh38, chr17:70,175,188, plus strand): 5'-TTGGGAACGGGAAGAGTAAAGTCCACACCCGACAACAGTGCAGGAGCCGCTTTGTGAAGA[A>G]AGATGGCCACTGTAATGTTCAGTTCATCAATGTGGGTGAGAAGGGGCAACGGTACCTCGC-3'
Protein context (NP_000882.1, residues 40-60): RQQCRSRFVK[Lys50Arg]DGHCNVQFIN

ClinVar aggregate classification (germline): Uncertain significance. Review status: criteria provided, multiple submitters, no conflicts (2 of 4 stars). 2 submissions from 2 submitters: Uncertain significance (2). Last evaluated 2023-10-22.

Conditions:
Atrial fibrillation, familial, 9 (ATFB9). Identifiers: MedGen C3151431, MONDO:0013513, OMIM 613980.
Short QT syndrome type 3. Identifiers: Orphanet 51083, MedGen C1865018, MONDO:0012314, OMIM 609622.
Andersen Tawil syndrome (LQT7). Also called: Andersen Syndrome; LONG QT SYNDROME 7; ANDERSEN CARDIODYSRHYTHMIC PERIODIC PARALYSIS; Potassium-sensitive periodic paralysis, ventricular ectopy, and dysmorphic features; PERIODIC PARALYSIS, POTASSIUM-SENSITIVE CARDIODYSRHYTHMIC TYPE. Identifiers: Orphanet 37553, MedGen C1563715, MONDO:0008222, OMIM 170390.

Submissions (2):

Labcorp Genetics (formerly Invitae), Labcorp
Classification: Uncertain significance for Short QT syndrome type 3; Andersen Tawil syndrome. Last evaluated: 2023-10-22. Review status: criteria provided, single submitter. Criteria: Invitae Variant Classification Sherloc (09022015). Collection method: clinical testing. Allele origin: germline.
Comment: This sequence change replaces lysine, which is basic and polar, with arginine, which is basic and polar, at codon 50 of the KCNJ2 protein (p.Lys50Arg). This variant is not present in population databases (gnomAD no frequency). This variant has not been reported in the literature in individuals affected with KCNJ2-related conditions. ClinVar contains an entry for this variant (Variation ID: 1423577). Advanced modeling of protein sequence and biophysical properties (such as structural, functional, and spatial information, amino acid conservation, physicochemical variation, residue mobility, and thermodynamic stability) performed at Invitae indicates that this missense variant is not expected to disrupt KCNJ2 protein function. In summary, the available evidence is currently insufficient to determine the role of this variant in disease. Therefore, it has been classified as a Variant of Uncertain Significance.

Fulgent Genetics
Classification: Uncertain significance for Andersen Tawil syndrome; Short QT syndrome type 3; Atrial fibrillation, familial, 9. Last evaluated: 2021-10-12. Review status: criteria provided, single submitter. Criteria: ACMG Guidelines, 2015. Collection method: clinical testing. Allele origin: unknown.